The following is an entry in ClinVar:

ClinVar aggregate classification (germline): Uncertain significance (1 of 4 stars; one submission).

Submission:

Dasa
Classification: Uncertain significance. Last evaluated: 2024-10-30. Review status: criteria provided, single submitter. Criteria: DASA Assertion Criteria. Collection method: clinical testing. Allele origin: germline.
Comment: NM_015076.5(CDK19):c.899A>T (p.His300Leu) is a missense variant that results in the substitution of histidine with leucine. This variant is absent from population databases. Computational prediction algorithms are consistent with a benign effect. The currently available literature and clinical evidence are not sufficient to establish a definitive association between this variant and the reported condition. Therefore, this variant is classified as a variant of uncertain significance.

NM_015076.5(CDK19):c.899A>T (p.His300Leu)

Gene: CDK19 (cyclin dependent kinase 19; minus strand). Cytogenetic location: 6q21.
Variant type: single nucleotide variant.
Coding change: c.899A>T on transcript NM_015076.5 (MANE Select); coding-DNA position 899, A replaced by T.
Protein change: p.His300Leu; replaces histidine 300 with leucine.
Molecular consequence: missense variant.
Genome position (GRCh38, 1-based): chr6:110,623,324, T>A on the plus strand (A>T on the coding strand, the complement: CDK19 is on the minus strand). VCF-style: chr6-110623324-T-A. GRCh37 (hg19) VCF-style: chr6-110944527-T-A.
Other names: c.767A>T, p.His256Leu (NM_001300960.2); c.719A>T, p.His240Leu (NM_001300963.2, NM_001300964.2); short protein forms H240L, H256L, H300L.
Identifiers: ClinVar variation 4852667 (VCV004852667.2).